The following is an entry in ClinVar:

NM_000091.5(COL4A3):c.280G>T (p.Gly94Ter)

Genes: MFF-DT (MFF divergent transcript; minus strand), COL4A3 (collagen type IV alpha 3 chain; plus strand). Cytogenetic location: 2q36.3.
Variant type: single nucleotide variant.
Coding change: c.280G>T on transcript NM_000091.5 (MANE Select); coding-DNA position 280, G replaced by T.
Protein change: p.Gly94Ter; replaces glycine 94 with a stop codon.
Molecular consequence: nonsense.
Genome position (GRCh38, 1-based): chr2:227,244,951, G>T. VCF-style: chr2-227244951-G-T. GRCh37 (hg19) VCF-style: chr2-228109667-G-T.
Other names: short protein forms G94*.
Identifiers: ClinVar variation 984032 (VCV000984032.3), dbSNP rs2069240492, ClinGen allele CA350860821.

ClinVar aggregate classification (germline): Likely pathogenic (1 of 4 stars; one submission).

Conditions:
Autosomal recessive Alport syndrome (ATS2). Also called: ALPORT SYNDROME 2, AUTOSOMAL RECESSIVE; Alport syndrome type 2; COL4A4 Alport Syndrome and Thin Basement Membrane Nephropathy; COL4A3-Related Nephropathy. Identifiers: Orphanet 63, Orphanet 88919, MedGen C4746745, MONDO:0008762, OMIM 203780.

Submission:

Myriad Genetics, Inc.
Classification: Likely pathogenic for Autosomal recessive Alport syndrome. Last evaluated: 2019-12-28. Review status: criteria provided, single submitter. Criteria: Myriad Women's Health Autosomal Recessive and X-Linked Classification Criteria (2019). Collection method: clinical testing. Allele origin: unknown.
Comment: NM_000091.4(COL4A3):c.280G>T(G94*) is expected to be pathogenic in the context of COL4A3-related Alport syndrome. This variant is predicted to lead to an abnormal or absent protein product due to the creation of a premature termination codon in COL4A3, a gene where loss-of-function variants are known to be pathogenic. Please note: this variant was assessed in the context of healthy population screening.